The following is an entry in ClinVar:

ClinVar aggregate classification (germline): Pathogenic/Likely pathogenic. Review status: criteria provided, multiple submitters, no conflicts (2 of 4 stars). 3 submissions from 3 submitters: Pathogenic (2); Likely pathogenic (1). Last evaluated 2025-11-13.

Conditions:
Hereditary breast ovarian cancer syndrome. Also called: Hereditary breast and ovarian cancer syndrome (HBOC); Hereditary breast and ovarian cancer syndrome; Breast and ovarian cancer; BRCA1- and BRCA2-Associated Hereditary Breast and Ovarian Cancer; Hereditary breast and ovarian cancer; Hereditary breast and/or ovarian cancer syndrome. Identifiers: Orphanet 145, MedGen C0677776, MeSH D061325, MONDO:0003582. Disease mechanism: loss of function.
Hereditary cancer-predisposing syndrome. Also called: Neoplastic Syndromes, Hereditary; Hereditary Cancer Syndrome; Hereditary neoplastic syndrome; Tumor predisposition. Identifiers: Orphanet 140162, MedGen C0027672, MeSH D009386, MONDO:0015356.

Submissions (3):

Labcorp Genetics (formerly Invitae), Labcorp
Classification: Pathogenic for Hereditary breast ovarian cancer syndrome. Last evaluated: 2025-11-13. Review status: criteria provided, single submitter. Criteria: Invitae Variant Classification Sherloc (09022015). Collection method: clinical testing. Allele origin: germline.
Comment: This sequence change creates a premature translational stop signal (p.Asn277Lysfs*15) in the BRCA2 gene. It is expected to result in an absent or disrupted protein product. Loss-of-function variants in BRCA2 are known to be pathogenic (PMID: 20104584). This variant is not present in population databases (gnomAD no frequency). This variant has not been reported in the literature in individuals affected with BRCA2-related conditions. ClinVar contains an entry for this variant (Variation ID: 479315). For these reasons, this variant has been classified as Pathogenic.

Quest Diagnostics Nichols Institute San Juan Capistrano
Classification: Likely pathogenic. Last evaluated: 2020-02-17. Review status: criteria provided, single submitter. Criteria: Quest Diagnostics criteria. Collection method: clinical testing. Allele origin: unknown.
Comment: The variant results in a shift of the reading frame, and is therefore predicted to result in the loss of a functional protein. Not found in the total gnomAD dataset, and the data is high quality.

Ambry Genetics
Classification: Pathogenic for Hereditary cancer-predisposing syndrome. Last evaluated: 2016-04-18. Review status: criteria provided, single submitter. Criteria: Ambry Variant Classification Scheme 2023. Collection method: clinical testing. Allele origin: germline.
Comment: The c.831delT pathogenic mutation, located in coding exon 9 of the BRCA2 gene, results from a deletion of one nucleotide at nucleotide position 831, causing a translational frameshift with a predicted alternate stop codon. Since frameshifts are typically deleterious in nature, this alteration is interpreted as a disease-causing mutation (ACMG Recommendations for Standards for Interpretation and Reporting of Sequence Variations. Revision 2007. Genet Med. 2008;10:294).

Literature cited by the submitters: PubMed 20104584 (cited by Labcorp Genetics (formerly Invitae), Labcorp).

NM_000059.4(BRCA2):c.831del (p.Asn277fs)

Gene: BRCA2 (BRCA2 DNA repair associated; plus strand). Cytogenetic location: 13q13.1.
Variant type: Deletion.
Coding change: c.831del on transcript NM_000059.4 (MANE Select); coding-DNA position 831, one base deleted (T; older notation c.831delT).
Protein change: p.Asn277fs; shifts the reading frame from asparagine 277.
Molecular consequence: frameshift variant.
Genome position (GRCh38, 1-based): chr13:32,332,309, T deleted. VCF-style (leftmost placement, unchanged base first): chr13-32332308-AT-A. GRCh37 (hg19) VCF-style: chr13-32906445-AT-A.
Other names: c.831delT (NM_000059.3).
Identifiers: ClinVar variation 479315 (VCV000479315.13), dbSNP rs1555281604, ClinGen allele CA658656374.
Genomic context (GRCh38, chr13:32,332,308, plus strand): 5'-TGCTTCTGTTTTATACTTTAACAGGATTTGGAAAAACATCAGGGAATTCATTTAAAGTAA[AT>A]AGCTGCAAAGACCACATTGGAAAGTCAATGCCAAATGTCCTAGAAGATGAAGTATATGAA-3'